The following is an entry in ClinVar:

ClinVar aggregate classification (germline): Uncertain significance (1 of 4 stars; one submission).

Submission:

Labcorp Genetics (formerly Invitae), Labcorp
Classification: Uncertain significance. Last evaluated: 2022-11-11. Review status: criteria provided, single submitter. Criteria: Invitae Variant Classification Sherloc (09022015). Collection method: clinical testing. Allele origin: germline.
Comment: This missense change has been observed in individual(s) with deafness (PMID: 26346818, 31554319). This sequence change replaces cysteine, which is neutral and slightly polar, with serine, which is neutral and polar, at codon 696 of the TECTA protein (p.Cys696Ser). This variant is not present in population databases (gnomAD no frequency). Advanced modeling of protein sequence and biophysical properties (such as structural, functional, and spatial information, amino acid conservation, physicochemical variation, residue mobility, and thermodynamic stability) has been performed at Invitae for this missense variant, however the output from this modeling did not meet the statistical confidence thresholds required to predict the impact of this variant on TECTA protein function. This variant disrupts the p.Cys696 amino acid residue in TECTA. Other variant(s) that disrupt this residue have been observed in individuals with TECTA-related conditions (PMID: 31554319), which suggests that this may be a clinically significant amino acid residue. In summary, the available evidence is currently insufficient to determine the role of this variant in disease. Therefore, it has been classified as a Variant of Uncertain Significance.

Literature cited by the submitters: PubMed 26346818; PubMed 31554319.

NM_005422.4(TECTA):c.2087G>C (p.Cys696Ser)

Genes: TBCEL-TECTA (TBCEL-TECTA readthrough; plus strand), TECTA (tectorin alpha; plus strand). Cytogenetic location: 11q23.3.
Variant type: single nucleotide variant.
Coding change: c.2087G>C on transcript NM_005422.4 (MANE Select); coding-DNA position 2087, G replaced by C.
Protein change: p.Cys696Ser; replaces cysteine 696 with serine.
Molecular consequence: missense variant.
Genome position (GRCh38, 1-based): chr11:121,128,064, G>C. VCF-style: chr11-121128064-G-C. GRCh37 (hg19) VCF-style: chr11-120998773-G-C.
Other names: c.3044G>C, p.Cys1015Ser (NM_001378761.1); short protein forms C696S, C1015S.
Identifiers: ClinVar variation 2735776 (VCV002735776.3), dbSNP rs2496922045, ClinGen allele CA383014145.
Genomic context (GRCh38, chr11:121,128,064, plus strand): 5'-TGTGCGAGGAGGGCGGGGACGTCTACTGCTTCAACAAGACCTGCGGCAGCGGGGAGGTGT[G>C]CGCCGTGGAGGACGGCTACCAGGGCTGCTTCCCCAAGCGGGAGACCGTGTGCCTGCTCAG-3'
Protein context (NP_005413.2, residues 686-706): FNKTCGSGEV[Cys696Ser]AVEDGYQGCF